The following is an entry in ClinVar:

ClinVar aggregate classification (germline): Uncertain significance (1 of 4 stars; one submission).

Conditions:
Progressive myoclonic epilepsy type 5. Identifiers: Orphanet 402082, MedGen C5190799.

Allele frequency attached by ClinVar (database versions not stated): gnomAD exomes below 0.00001; TOPMed below 0.00001.
gnomAD v4.1: 2 of 1,601,052 alleles (0.00012%); highest among the groups gnomAD compares: Non-Finnish European, 0.00017%; no homozygotes.

Submission:

Labcorp Genetics (formerly Invitae), Labcorp
Classification: Uncertain significance for Progressive myoclonic epilepsy type 5. Last evaluated: 2019-08-07. Review status: criteria provided, single submitter. Criteria: Invitae Variant Classification Sherloc (09022015). Collection method: clinical testing. Allele origin: germline.
Comment: In summary, the available evidence is currently insufficient to determine the role of this variant in disease. Therefore, it has been classified as a Variant of Uncertain Significance. Algorithms developed to predict the effect of missense changes on protein structure and function are either unavailable or do not agree on the potential impact of this missense change (SIFT: "Deleterious"; PolyPhen-2: "Possibly Damaging"; Align-GVGD: "Class C15"). This variant has not been reported in the literature in individuals with PRICKLE2-related conditions. This variant is not present in population databases (ExAC no frequency). This sequence change replaces arginine with tryptophan at codon 730 of the PRICKLE2 protein (p.Arg730Trp). The arginine residue is highly conserved and there is a moderate physicochemical difference between arginine and tryptophan.

NM_198859.4(PRICKLE2):c.2188C>T (p.Arg730Trp)

Genes: PRICKLE2 (prickle planar cell polarity protein 2; minus strand), PRICKLE2-AS1 (PRICKLE2 antisense RNA 1; plus strand). Cytogenetic location: 3p14.1.
Variant type: single nucleotide variant.
Coding change: c.2188C>T on transcript NM_198859.4 (MANE Select); coding-DNA position 2188, C replaced by T.
Protein change: p.Arg730Trp; replaces arginine 730 with tryptophan.
Molecular consequence: missense variant. On other transcripts: non-coding transcript variant (1).
Genome position (GRCh38, 1-based): chr3:64,099,398, G>A on the plus strand (C>T on the coding strand, the complement: PRICKLE2 is on the minus strand). VCF-style: chr3-64099398-G-A. GRCh37 (hg19) VCF-style: chr3-64085074-G-A.
Other names: c.2188C>T, p.Arg730Trp (NM_001370528.1); short protein forms R730W.
Identifiers: ClinVar variation 962555 (VCV000962555.7), dbSNP rs2076617456, ClinGen allele CA353426593.